The following is an entry in ClinVar:

NM_001017420.3(ESCO2):c.331A>G (p.Lys111Glu)

Gene: ESCO2 (establishment of sister chromatid cohesion N-acetyltransferase 2; plus strand). Cytogenetic location: 8p21.1.
Variant type: single nucleotide variant.
Coding change: c.331A>G on transcript NM_001017420.3 (MANE Select); coding-DNA position 331, A replaced by G.
Protein change: p.Lys111Glu; replaces lysine 111 with glutamic acid.
Molecular consequence: missense variant.
Genome position (GRCh38, 1-based): chr8:27,776,639, A>G. VCF-style: chr8-27776639-A-G. GRCh37 (hg19) VCF-style: chr8-27634156-A-G.
Other names: short protein forms K111E.
Identifiers: ClinVar variation 196299 (VCV000196299.11), dbSNP rs147327594, ClinGen allele CA243206.
Genomic context (GRCh38, chr8:27,776,639, plus strand): 5'-AAGTGGTACCTCAATCCACTGGAGAGAAAGCTGATAAAAGAGAGTAGATCTACTTGTCTA[A>G]AAACTAATGATGAAGATAAATCTTTTCCCATTGTGACAGAAAAAATGCAAGGAAAACCAG-3'
Protein context (NP_001017420.1, residues 101-121): LIKESRSTCL[Lys111Glu]TNDEDKSFPI

ClinVar aggregate classification (germline): Uncertain significance. Review status: criteria provided, multiple submitters, no conflicts (2 of 4 stars). 3 submissions from 3 submitters: Uncertain significance (3). Last evaluated 2024-06-17.

Conditions:
Juberg-Hayward syndrome (JHS). Also called: Cleft lip/palate with abnormal thumbs and microcephaly; OROCRANIODIGITAL SYNDROME. Identifiers: Orphanet 2319, MedGen C0796099, MONDO:0008992, OMIM 216100.
Roberts-SC phocomelia syndrome (RBS). Also called: ESCO2 Spectrum Disorder; Pseudothalidomide syndrome; Appelt-Gerken-Lenz syndrome; LONG BONE DEFICIENCIES ASSOCIATED WITH CLEFT LIP-PALATE; Hypomelia hypotrichosis facial hemangioma syndrome. Identifiers: Orphanet 3103, MedGen C0392475, MONDO:0100253, OMIM 268300.

Allele frequency attached by ClinVar (database versions not stated): ExAC 0.00002; gnomAD exomes 0.00002 and 0.00004; TOPMed 0.00002; gnomAD 0.00003 and 0.00004; ESP Exome Variant Server 0.00008.
gnomAD v4.1: 65 of 1,613,902 alleles (0.004%); highest among the groups gnomAD compares: South Asian, 0.012%; no homozygotes.

Submissions (3):

Labcorp Genetics (formerly Invitae), Labcorp
Classification: Uncertain significance. Last evaluated: 2024-06-17. Review status: criteria provided, single submitter. Criteria: Invitae Variant Classification Sherloc (09022015). Collection method: clinical testing. Allele origin: germline.
Comment: This sequence change replaces lysine, which is basic and polar, with glutamic acid, which is acidic and polar, at codon 111 of the ESCO2 protein (p.Lys111Glu). This variant is present in population databases (rs147327594, gnomAD 0.007%). This variant has not been reported in the literature in individuals affected with ESCO2-related conditions. ClinVar contains an entry for this variant (Variation ID: 196299). An algorithm developed to predict the effect of missense changes on protein structure and function (PolyPhen-2) suggests that this variant¬†is likely to be tolerated. In summary, the available evidence is currently insufficient to determine the role of this variant in disease. Therefore, it has been classified as a Variant of Uncertain Significance.

Fulgent Genetics
Classification: Uncertain significance for Juberg-Hayward syndrome; Roberts-SC phocomelia syndrome. Last evaluated: 2024-03-19. Review status: criteria provided, single submitter. Criteria: ACMG Guidelines, 2015. Collection method: clinical testing. Allele origin: germline.

Eurofins Ntd Llc (ga)
Classification: Uncertain significance. Last evaluated: 2015-02-05. Review status: criteria provided, single submitter. Criteria: EGL Classification Definitions 2015. Collection method: clinical testing. Allele origin: germline. Observed: 1 variant allele, 1 heterozygote.